The following is an entry in ClinVar:

ClinVar aggregate classification (germline): Uncertain significance (1 of 4 stars; one submission).

Conditions:
LRP1B-related disorder. Also called: LRP1B-related condition.

gnomAD v4.1: 1 of 1,612,780 alleles (0.000062%); highest among the groups gnomAD compares: Non-Finnish European, 0.000085%; no homozygotes.

Submission:

PreventionGenetics, part of Exact Sciences
Classification: Uncertain significance for LRP1B-related condition. Last evaluated: 2024-11-27. Review status: criteria provided, single submitter. Criteria: ACMG Guidelines, 2015. Collection method: clinical testing. Allele origin: germline.
Comment: The LRP1B c.6856A>G variant is predicted to result in the amino acid substitution p.Thr2286Ala. To our knowledge, this variant has not been reported in the literature. This variant is reported in 0.00088% of alleles in individuals of European (Non-Finnish) descent in gnomAD. At this time, the clinical significance of this variant is uncertain due to the absence of conclusive functional and genetic evidence.

NM_018557.3(LRP1B):c.6856A>G (p.Thr2286Ala)

Gene: LRP1B (LDL receptor related protein 1B; minus strand). Cytogenetic location: 2q22.1.
Variant type: single nucleotide variant.
Coding change: c.6856A>G on transcript NM_018557.3 (MANE Select); coding-DNA position 6856, A replaced by G.
Protein change: p.Thr2286Ala; replaces threonine 2286 with alanine.
Molecular consequence: missense variant.
Genome position (GRCh38, 1-based): chr2:140,601,583, T>C on the plus strand (A>G on the coding strand, the complement: LRP1B is on the minus strand). VCF-style: chr2-140601583-T-C. GRCh37 (hg19) VCF-style: chr2-141359152-T-C.
Other names: short protein forms T2286A.
Identifiers: ClinVar variation 4999050 (VCV004999050.1).